The following is an entry in ClinVar:

NM_002863.5(PYGL):c.1617G>A (p.Lys539=)

Gene: PYGL (glycogen phosphorylase L; minus strand). Cytogenetic location: 14q22.1.
Variant type: single nucleotide variant.
Coding change: c.1617G>A on transcript NM_002863.5 (MANE Select); coding-DNA position 1617, G replaced by A.
Protein change: p.Lys539=; no amino-acid change (lysine 539 retained).
Molecular consequence: synonymous variant.
Genome position (GRCh38, 1-based): chr14:50,913,032, C>T on the plus strand (G>A on the coding strand, the complement: PYGL is on the minus strand). VCF-style: chr14-50913032-C-T. GRCh37 (hg19) VCF-style: chr14-51379750-C-T.
Other names: c.1515G>A, p.Lys505= (NM_001163940.2).
Identifiers: ClinVar variation 883428 (VCV000883428.10), dbSNP rs17721570, ClinGen allele CA7183419.

ClinVar aggregate classification (germline): Conflicting classifications of pathogenicity. Review status: criteria provided, conflicting classifications (1 of 4 stars). 3 submissions from 3 submitters: Uncertain significance (1); Benign (1). 1 of the submissions does not count toward it. Last evaluated 2020-07-03.

Conditions:
PYGL-related disorder. Also called: PYGL-related condition.
Glycogen storage disease, type VI (GSD6). Also called: Glycogen storage disease type 6; Hepatic glycogen phosphorylase deficiency; HERS DISEASE; PHOSPHORYLASE DEFICIENCY GLYCOGEN-STORAGE DISEASE OF LIVER; Glycogen storage disease type 6, due to phosphorylation; GSD VI. Identifiers: Orphanet 369, MedGen C0017925, MONDO:0009294, OMIM 232700.

Allele frequency attached by ClinVar (database versions not stated): gnomAD 0.00006 and 0.00011; gnomAD exomes 0.00009 and 0.00023; TOPMed 0.00015; ExAC 0.00026; 1000 Genomes Project 30x 0.00031; 1000 Genomes Project 0.00040.
gnomAD v4.1: 151 of 1,613,864 alleles (0.0094%); highest among the groups gnomAD compares: East Asian, 0.19%; no homozygotes.

Submissions (3):

Labcorp Genetics (formerly Invitae), Labcorp
Classification: Benign for Glycogen storage disease, type VI. Last evaluated: 2020-07-03. Review status: criteria provided, single submitter. Criteria: Invitae Variant Classification Sherloc (09022015). Collection method: clinical testing. Allele origin: germline.

Illumina Laboratory Services, Illumina
Classification: Uncertain significance for Glycogen storage disease, type VI. Last evaluated: 2018-01-13. Review status: criteria provided, single submitter. Criteria: ICSL Variant Classification Criteria 13 December 2019. Collection method: clinical testing. Allele origin: germline.

PreventionGenetics, part of Exact Sciences
Classification: Likely benign for PYGL-related condition. Last evaluated: 2021-11-09. Review status: no assertion criteria provided. Collection method: clinical testing. Allele origin: germline. Not counted in ClinVar's aggregate classification.
Comment: This variant is classified as likely benign based on ACMG/AMP sequence variant interpretation guidelines (Richards et al. 2015 PMID: 25741868, with internal and published modifications).